The following is an entry in ClinVar:

ClinVar aggregate classification (germline): Uncertain significance (1 of 4 stars; one submission).

gnomAD v4.1: 5 of 1,608,684 alleles (0.00031%); highest among the groups gnomAD compares: Non-Finnish European, 0.00043%; no homozygotes.

Submission:

GeneDx
Classification: Uncertain significance. Last evaluated: 2023-11-02. Review status: criteria provided, single submitter. Criteria: GeneDx Variant Classification Process June 2021. Collection method: clinical testing. Allele origin: germline. Affected: yes.
Comment: Not observed at significant frequency in large population cohorts (gnomAD); In silico analysis supports a deleterious effect on splicing; Has not been previously published as pathogenic or benign to our knowledge

NM_144563.3(RPIA):c.837A>T (p.Pro279=)

Gene: RPIA (ribose 5-phosphate isomerase A; plus strand). Cytogenetic location: 2p11.2.
Variant type: single nucleotide variant.
Coding change: c.837A>T on transcript NM_144563.3 (MANE Select); coding-DNA position 837, A replaced by T.
Protein change: p.Pro279=; no amino-acid change (proline 279 retained).
Molecular consequence: synonymous variant.
Genome position (GRCh38, 1-based): chr2:88,738,075, A>T. VCF-style: chr2-88738075-A-T. GRCh37 (hg19) VCF-style: chr2-89037592-A-T.
Identifiers: ClinVar variation 3363816 (VCV003363816.1).
Genomic context (GRCh38, chr2:88,738,075, plus strand): 5'-CTGGAAGTTTGACCGGGTACACAAATGGAGTGAAGTGAATACAGCTATCAAAATGATCCC[A>T]GGTAACATGAGTGGTGTTCACCAGTCATATACACACCCATGGCCTTCATAACTGGCCCCT-3'
Protein context (NP_653164.2, residues 269-289): SEVNTAIKMI[Pro279=]GVVDTGLFIN